The following is an entry in ClinVar:

NM_018979.4(WNK1):c.6091C>T (p.His2031Tyr)

Gene: WNK1 (WNK lysine deficient protein kinase 1; plus strand). Cytogenetic location: 12p13.33.
Variant type: single nucleotide variant.
Coding change: c.6091C>T on transcript NM_018979.4 (MANE Select); coding-DNA position 6091, C replaced by T.
Protein change: p.His2031Tyr; replaces histidine 2031 with tyrosine.
Molecular consequence: missense variant.
Genome position (GRCh38, 1-based): chr12:896,578, C>T. VCF-style: chr12-896578-C-T. GRCh37 (hg19) VCF-style: chr12-1005744-C-T.
Other names: c.6847C>T, p.His2283Tyr (NM_213655.5); c.6871C>T, p.His2291Tyr (NM_001184985.2); c.5347C>T, p.His1783Tyr (NM_014823.3); short protein forms H2031Y, H2291Y, H1783Y, H2283Y.
Identifiers: ClinVar variation 2928998 (VCV002928998.4), dbSNP rs908898610, ClinGen allele CA231486758.

ClinVar aggregate classification (germline): Uncertain significance. Review status: criteria provided, multiple submitters, no conflicts (2 of 4 stars). 2 submissions from 2 submitters: Uncertain significance (2). Last evaluated 2024-07-23.

Conditions:
Neuropathy, hereditary sensory and autonomic, type 2A (HSAN2A). Also called: HSAN IIA; WNK1-Related HSAN2 (HSAN2A); ACROOSTEOLYSIS, GIACCAI TYPE; ACROOSTEOLYSIS, NEUROGENIC; MORVAN DISEASE; NEUROPATHY, CONGENITAL SENSORY. Identifiers: Orphanet 970, MedGen C2752089, MONDO:0024309, OMIM 201300.
Pseudohypoaldosteronism type 2C (PHA2C). Also called: Pseudohypoaldosteronism Type IIC. Identifiers: Orphanet 757, Orphanet 88940, MedGen C1840391, MONDO:0013778, OMIM 614492.

Allele frequency attached by ClinVar (database versions not stated): gnomAD exomes 0.00001; gnomAD 0.00002; TOPMed 0.00002.
gnomAD v4.1: 15 of 1,611,944 alleles (0.00093%); highest among the groups gnomAD compares: African/African-American, 0.0027%; no homozygotes.

Submissions (2):

Labcorp Genetics (formerly Invitae), Labcorp
Classification: Uncertain significance for Neuropathy, hereditary sensory and autonomic, type 2A; Pseudohypoaldosteronism type 2C. Last evaluated: 2024-07-23. Review status: criteria provided, single submitter. Criteria: Invitae Variant Classification Sherloc (09022015). Collection method: clinical testing. Allele origin: germline.
Comment: This sequence change replaces histidine, which is basic and polar, with tyrosine, which is neutral and polar, at codon 2283 of the WNK1 protein (p.His2283Tyr). This variant is present in population databases (no rsID available, gnomAD 0.007%). This variant has not been reported in the literature in individuals affected with WNK1-related conditions. Advanced modeling of protein sequence and biophysical properties (such as structural, functional, and spatial information, amino acid conservation, physicochemical variation, residue mobility, and thermodynamic stability) performed at Invitae indicates that this missense variant is not expected to disrupt WNK1 protein function with a negative predictive value of 95%. In summary, the available evidence is currently insufficient to determine the role of this variant in disease. Therefore, it has been classified as a Variant of Uncertain Significance.

Fulgent Genetics
Classification: Uncertain significance for Neuropathy, hereditary sensory and autonomic, type 2A; Pseudohypoaldosteronism type 2C. Last evaluated: 2024-04-28. Review status: criteria provided, single submitter. Criteria: ACMG Guidelines, 2015. Collection method: clinical testing. Allele origin: germline.